The following is an entry in ClinVar:

ClinVar aggregate classification (germline): Likely benign (0 of 4 stars; one submission).

Conditions:
NOTCH2-related disorder. Also called: NOTCH2-related condition.

Allele frequency attached by ClinVar (database versions not stated): gnomAD exomes below 0.00001; gnomAD 0.00001; ExAC 0.00002; TOPMed 0.00003; ESP Exome Variant Server 0.00008.
gnomAD v4.1: 2 of 1,614,028 alleles (0.00012%); highest among the groups gnomAD compares: African/African-American, 0.0027%; no homozygotes.

Submission:

PreventionGenetics, part of Exact Sciences
Classification: Likely benign for NOTCH2-related condition. Last evaluated: 2021-10-18. Review status: no assertion criteria provided. Collection method: clinical testing. Allele origin: germline.
Comment: This variant is classified as likely benign based on ACMG/AMP sequence variant interpretation guidelines (Richards et al. 2015 PMID: 25741868, with internal and published modifications).

NM_024408.4(NOTCH2):c.6513A>G (p.Thr2171=)

Gene: NOTCH2 (notch receptor 2; minus strand). Cytogenetic location: 1p12.
Variant type: single nucleotide variant.
Coding change: c.6513A>G on transcript NM_024408.4 (MANE Select); coding-DNA position 6513, A replaced by G.
Protein change: p.Thr2171=; no amino-acid change (threonine 2171 retained).
Molecular consequence: synonymous variant.
Genome position (GRCh38, 1-based): chr1:119,916,209, T>C on the plus strand (A>G on the coding strand, the complement: NOTCH2 is on the minus strand). VCF-style: chr1-119916209-T-C. GRCh37 (hg19) VCF-style: chr1-120458832-T-C.
Identifiers: ClinVar variation 3030329 (VCV003030329.2), dbSNP rs144953407, ClinGen allele CA1039414.
Genomic context (GRCh38, chr1:119,916,209, plus strand): 5'-GGCAGGAGGGGCGGCAGTGGCCAACATAGGGTTGGGTGAGGCCTGTAAGATCCCAGGGGA[T>C]GTAATCATTGGAGAGGATGTGGTGTCGGAAACATACGTGTGAGGAGATTCTAGGGAATCA-3'
Protein context (NP_077719.2, residues 2161-2181): VSDTTSSPMI[Thr2171=]SPGILQASPN